The following is an entry in ClinVar:

ClinVar aggregate classification (germline): Uncertain significance (1 of 4 stars; one submission).

Submission:

Labcorp Genetics (formerly Invitae), Labcorp
Classification: Uncertain significance. Last evaluated: 2024-08-11. Review status: criteria provided, single submitter. Criteria: Invitae Variant Classification Sherloc (09022015). Collection method: clinical testing. Allele origin: germline.
Comment: This sequence change replaces serine, which is neutral and polar, with threonine, which is neutral and polar, at codon 1481 of the NEXMIF protein (p.Ser1481Thr). This variant is not present in population databases (gnomAD no frequency). This variant has not been reported in the literature in individuals affected with NEXMIF-related conditions. An algorithm developed to predict the effect of missense changes on protein structure and function outputs the following: PolyPhen-2: "Benign". The threonine amino acid residue is found in multiple mammalian species, which suggests that this missense change does not adversely affect protein function. In summary, the available evidence is currently insufficient to determine the role of this variant in disease. Therefore, it has been classified as a Variant of Uncertain Significance.

NM_001008537.3(NEXMIF):c.4441T>A (p.Ser1481Thr)

Gene: NEXMIF (neurite extension and migration factor; minus strand). Cytogenetic location: Xq13.3.
Variant type: single nucleotide variant.
Coding change: c.4441T>A on transcript NM_001008537.3 (MANE Select); coding-DNA position 4441, T replaced by A.
Protein change: p.Ser1481Thr; replaces serine 1481 with threonine.
Molecular consequence: missense variant.
Genome position (GRCh38, 1-based): chrX:74,740,116, A>T on the plus strand (T>A on the coding strand, the complement: NEXMIF is on the minus strand). VCF-style: chrX-74740116-A-T. GRCh37 (hg19) VCF-style: chrX-73959951-A-T.
Other names: short protein forms S1481T.
Identifiers: ClinVar variation 3661932 (VCV003661932.2).